The following is an entry in ClinVar:

NM_017636.4(TRPM4):c.3088G>A (p.Val1030Met)

Gene: TRPM4 (transient receptor potential cation channel subfamily M member 4; plus strand). Cytogenetic location: 19q13.33.
Variant type: single nucleotide variant.
Coding change: c.3088G>A on transcript NM_017636.4 (MANE Select); coding-DNA position 3088, G replaced by A.
Protein change: p.Val1030Met; replaces valine 1030 with methionine.
Molecular consequence: missense variant.
Genome position (GRCh38, 1-based): chr19:49,202,098, G>A. VCF-style: chr19-49202098-G-A. GRCh37 (hg19) VCF-style: chr19-49705355-G-A.
Other names: c.2653G>A, p.Val885Met (NM_001195227.2); c.2743G>A, p.Val915Met (NM_001321281.2); c.1480G>A, p.Val494Met (NM_001321282.2); c.2566G>A, p.Val856Met (NM_001321283.2); c.2026G>A, p.Val676Met (NM_001321285.2); short protein forms V885M, V494M, V856M, V915M, V1030M, V676M.
Identifiers: ClinVar variation 2563504 (VCV002563504.5), dbSNP rs2514209948, ClinGen allele CA406812928.

ClinVar aggregate classification (germline): Uncertain significance. Review status: criteria provided, multiple submitters, no conflicts (2 of 4 stars). 2 submissions from 2 submitters: Uncertain significance (2). Last evaluated 2023-11-08.

Conditions:
Cardiovascular phenotype. Identifiers: MedGen CN230736.
Progressive familial heart block type IB (PFHB1B). Identifiers: Orphanet 871, MedGen C1970298, MONDO:0011474, OMIM 604559.

Submissions (2):

Labcorp Genetics (formerly Invitae), Labcorp
Classification: Uncertain significance for Progressive familial heart block type IB. Last evaluated: 2023-11-08. Review status: criteria provided, single submitter. Criteria: Invitae Variant Classification Sherloc (09022015). Collection method: clinical testing. Allele origin: germline.
Comment: This sequence change replaces valine, which is neutral and non-polar, with methionine, which is neutral and non-polar, at codon 1030 of the TRPM4 protein (p.Val1030Met). This variant is not present in population databases (gnomAD no frequency). This variant has not been reported in the literature in individuals affected with TRPM4-related conditions. ClinVar contains an entry for this variant (Variation ID: 2563504). An algorithm developed to predict the effect of missense changes on protein structure and function (PolyPhen-2) suggests that this variant is likely to be disruptive. In summary, the available evidence is currently insufficient to determine the role of this variant in disease. Therefore, it has been classified as a Variant of Uncertain Significance.

Ambry Genetics
Classification: Uncertain significance for Cardiovascular phenotype. Last evaluated: 2023-05-08. Review status: criteria provided, single submitter. Criteria: Ambry Variant Classification Scheme 2023. Collection method: clinical testing. Allele origin: germline.
Comment: The p.V1030M variant (also known as c.3088G>A), located in coding exon 20 of the TRPM4 gene, results from a G to A substitution at nucleotide position 3088. The valine at codon 1030 is replaced by methionine, an amino acid with highly similar properties. This amino acid position is conserved. In addition, this alteration is predicted to be tolerated by in silico analysis. Since supporting evidence is limited at this time, the clinical significance of this alteration remains unclear.